The following is an entry in ClinVar:

ClinVar aggregate classification (germline): Uncertain significance (0 of 4 stars; one submission).

Conditions:
LEPR-related disorder. Also called: LEPR-related condition; LEPR-related disorders.

gnomAD v4.1: 15 of 1,613,958 alleles (0.00093%); highest among the groups gnomAD compares: Non-Finnish European, 0.0013%; no homozygotes.

Submission:

PreventionGenetics, part of Exact Sciences
Classification: Uncertain significance for LEPR-related condition. Last evaluated: 2024-06-07. Review status: no assertion criteria provided. Collection method: clinical testing. Allele origin: germline.
Comment: The LEPR c.208C>T variant is predicted to result in the amino acid substitution p.Pro70Ser. This variant was observed in a cohort of individuals with obesity, and in vitro functional studies showed function similar to wild-type levels (Supplemental Data Set, Shah et al. 2023. PubMed ID: 36864747). This variant is reported in 0.0065% of alleles in individuals of European (Non-Finnish) descent in gnomAD. At this time, the clinical significance of this variant is uncertain due to the absence of conclusive functional and genetic evidence.

NM_002303.6(LEPR):c.208C>T (p.Pro70Ser)

Gene: LEPR (leptin receptor; plus strand). Cytogenetic location: 1p31.3.
Variant type: single nucleotide variant.
Coding change: c.208C>T on transcript NM_002303.6 (MANE Select); coding-DNA position 208, C replaced by T.
Protein change: p.Pro70Ser; replaces proline 70 with serine.
Molecular consequence: missense variant.
Genome position (GRCh38, 1-based): chr1:65,570,640, C>T. VCF-style: chr1-65570640-C-T. GRCh37 (hg19) VCF-style: chr1-66036323-C-T.
Other names: c.208C>T, p.Pro70Ser (NM_001003679.3, NM_001003680.3, NM_001198687.2 and 2 more transcripts); short protein forms P70S.
Identifiers: ClinVar variation 3357437 (VCV003357437.1).
Genomic context (GRCh38, chr1:65,570,640, plus strand): 5'-CCTGCTGGACTCTCAAAGAATACTTCAAATTCGAATGGACATTATGAGACAGCTGTTGAA[C>T]CTAAGTTTAATTCAAGTGGTACTCACTTTTCTAACTTATCCAAAACAACTTTCCACTGTT-3'
Protein context (NP_002294.2, residues 60-80): SNGHYETAVE[Pro70Ser]KFNSSGTHFS